The following is an entry in ClinVar:

ClinVar aggregate classification (germline): Uncertain significance (1 of 4 stars; one submission).

Conditions:
PLXNA3-related disorder. Also called: PLXNA3-related condition.

Submission:

PreventionGenetics, part of Exact Sciences
Classification: Uncertain significance for PLXNA3-related condition. Last evaluated: 2026-02-23. Review status: criteria provided, single submitter. Criteria: ACMG Guidelines, 2015. Collection method: clinical testing. Allele origin: germline.
Comment: The PLXNA3 c.4616C>G variant is predicted to result in the amino acid substitution p.Thr1539Ser. This variant is reported in 0.0012% of alleles in individuals of European (Non-Finnish) descent in gnomAD. At this time, the clinical significance of this variant is uncertain due to the absence of conclusive functional and genetic evidence.

NM_017514.5(PLXNA3):c.4616C>G (p.Thr1539Ser)

Gene: PLXNA3 (plexin A3; plus strand). Cytogenetic location: Xq28.
Variant type: single nucleotide variant.
Coding change: c.4616C>G on transcript NM_017514.5 (MANE Select); coding-DNA position 4616, C replaced by G.
Protein change: p.Thr1539Ser; replaces threonine 1539 with serine.
Molecular consequence: missense variant.
Genome position (GRCh38, 1-based): chrX:154,469,400, C>G. VCF-style: chrX-154469400-C-G. GRCh37 (hg19) VCF-style: chrX-153697743-C-G.
Other names: short protein forms T1539S.
Identifiers: ClinVar variation 4985964 (VCV004985964.1).
Genomic context (GRCh38, chrX:154,469,400, plus strand): 5'-GCTGCCAGCATAATCTTAAGGGCTGTCTGTGGCCCACAGAGTGGCGCCAGGGCCGCATGA[C>G]TCGCATCATCCTCCAGGATGAGGATGTCACCACCAAGATCGAGTGTGACTGGAAGAGGCT-3'
Protein context (NP_059984.3, residues 1529-1549): MDLEWRQGRM[Thr1539Ser]RIILQDEDVT